The following is an entry in ClinVar:

ClinVar aggregate classification (germline): Uncertain significance. Review status: criteria provided, multiple submitters, no conflicts (2 of 4 stars). 2 submissions from 2 submitters: Uncertain significance (2). Last evaluated 2024-01-18.

Submissions (2):

GeneDx
Classification: Uncertain significance. Last evaluated: 2024-01-18. Review status: criteria provided, single submitter. Criteria: GeneDx Variant Classification Process June 2021. Collection method: clinical testing. Allele origin: germline. Affected: yes.
Comment: Not observed at significant frequency in large population cohorts (gnomAD); Missense variants in this gene are a common cause of disease and they are underrepresented in the general population; In silico analysis supports that this missense variant has a deleterious effect on protein structure/function; This substitution is predicted to be in the cytoplasmic loop between the second and third homologous domains; Has not been previously published as pathogenic or benign to our knowledge

Revvity Omics, Revvity
Classification: Uncertain significance. Last evaluated: 2023-09-23. Review status: criteria provided, single submitter. Criteria: ACMG Guidelines, 2015. Collection method: clinical testing. Allele origin: germline.

NM_001040142.2(SCN2A):c.3038G>A (p.Gly1013Glu)

Gene: SCN2A (sodium voltage-gated channel alpha subunit 2; plus strand). Cytogenetic location: 2q24.3.
Variant type: single nucleotide variant.
Coding change: c.3038G>A on transcript NM_001040142.2 (MANE Select); coding-DNA position 3038, G replaced by A.
Protein change: p.Gly1013Glu; replaces glycine 1013 with glutamic acid.
Molecular consequence: missense variant.
Genome position (GRCh38, 1-based): chr2:165,354,310, G>A. VCF-style: chr2-165354310-G-A. GRCh37 (hg19) VCF-style: chr2-166210820-G-A.
Other names: c.3038G>A, p.Gly1013Glu (NM_001040143.2, NM_001371246.1, NM_001371247.1 and 1 more transcripts); short protein forms G1013E.
Identifiers: ClinVar variation 3368097 (VCV003368097.2).